The following is an entry in ClinVar:

ClinVar aggregate classification (germline): Uncertain significance (1 of 4 stars; one submission).

Submission:

Labcorp Genetics (formerly Invitae), Labcorp
Classification: Uncertain significance. Last evaluated: 2022-06-10. Review status: criteria provided, single submitter. Criteria: Invitae Variant Classification Sherloc (09022015). Collection method: clinical testing. Allele origin: germline.
Comment: In summary, the available evidence is currently insufficient to determine the role of this variant in disease. Therefore, it has been classified as a Variant of Uncertain Significance. Algorithms developed to predict the effect of missense changes on protein structure and function are either unavailable or do not agree on the potential impact of this missense change (SIFT: "Not Available"; PolyPhen-2: "Possibly Damaging"; Align-GVGD: "Not Available"). This variant has not been reported in the literature in individuals affected with UNC80-related conditions. This variant is not present in population databases (gnomAD no frequency). This sequence change replaces proline, which is neutral and non-polar, with serine, which is neutral and polar, at codon 1636 of the UNC80 protein (p.Pro1636Ser).

NM_001371986.1(UNC80):c.5104C>T (p.Pro1702Ser)

Genes: UNC80 (unc-80 subunit of NALCN channel complex; plus strand), LOC126806490 (P300/CBP strongly-dependent group 1 enhancer GRCh37_chr2:210782411-210783610; plus strand). Cytogenetic location: 2q34.
Variant type: single nucleotide variant.
Coding change: c.5104C>T on transcript NM_001371986.1 (MANE Select); coding-DNA position 5104, C replaced by T.
Protein change: p.Pro1702Ser; replaces proline 1702 with serine.
Molecular consequence: missense variant.
Genome position (GRCh38, 1-based): chr2:209,917,851, C>T. VCF-style: chr2-209917851-C-T. GRCh37 (hg19) VCF-style: chr2-210782575-C-T.
Other names: c.4906C>T, p.Pro1636Ser (NM_032504.2); c.4891C>T, p.Pro1631Ser (NM_182587.4); short protein forms P1636S, P1702S, P1631S.
Identifiers: ClinVar variation 2113870 (VCV002113870.4), dbSNP rs2471126577, ClinGen allele CA350758874.
Genomic context (GRCh38, chr2:209,917,851, plus strand): 5'-CTGTGTGCAGTGAAGGTGCCTGAGGCCGTGTCCGACATGCTGATGTCAGAGTTCCACCAC[C>T]CGGAGACTGTGCAGAGGCTGAACGCTGTCCTCAAGTTCCACACGCTCTGGAGGTTTCGCT-3'
Protein context (NP_001358915.1, residues 1692-1712): SDMLMSEFHH[Pro1702Ser]ETVQRLNAVL